The following is an entry in ClinVar:

ClinVar aggregate classification (germline): Likely benign. Review status: criteria provided, single submitter (1 of 4 stars). 2 submissions from 2 submitters: Likely benign (1). 1 of the submissions does not count toward it. Last evaluated 2025-11-05.

Conditions:
KAT6B-related disorder. Also called: KAT6B-related disorders; KAT6B-related condition.
Genitopatellar syndrome (GTPTS). Also called: ABSENT PATELLAE, SCROTAL HYPOPLASIA, RENAL ANOMALIES, FACIAL DYSMORPHISM, AND MENTAL RETARDATION; Genitopatellar syndrome (GPS). Identifiers: Orphanet 85201, MedGen C1853566, MONDO:0011640, OMIM 606170.

Allele frequency attached by ClinVar (database versions not stated): gnomAD exomes below 0.00001 and 0.00002; ExAC 0.00001; TOPMed 0.00004; gnomAD 0.00005; 1000 Genomes Project 0.00020; 1000 Genomes Project 30x 0.00031.
gnomAD v4.1: 37 of 1,614,148 alleles (0.0023%); highest among the groups gnomAD compares: Admixed American, 0.0033%; no homozygotes.

Submissions (2):

Labcorp Genetics (formerly Invitae), Labcorp
Classification: Likely benign for Genitopatellar syndrome. Last evaluated: 2025-11-05. Review status: criteria provided, single submitter. Criteria: Invitae Variant Classification Sherloc (09022015). Collection method: clinical testing. Allele origin: germline.

PreventionGenetics, part of Exact Sciences
Classification: Likely benign for KAT6B-related condition. Last evaluated: 2023-09-06. Review status: no assertion criteria provided. Collection method: clinical testing. Allele origin: germline. Not counted in ClinVar's aggregate classification.
Comment: This variant is classified as likely benign based on ACMG/AMP sequence variant interpretation guidelines (Richards et al. 2015 PMID: 25741868, with internal and published modifications).

NM_012330.4(KAT6B):c.1565C>A (p.Ser522Tyr)

Gene: KAT6B (lysine acetyltransferase 6B; plus strand). Cytogenetic location: 10q22.2.
Variant type: single nucleotide variant.
Coding change: c.1565C>A on transcript NM_012330.4 (MANE Select); coding-DNA position 1565, C replaced by A.
Protein change: p.Ser522Tyr; replaces serine 522 with tyrosine.
Molecular consequence: missense variant. On other transcripts: intron variant (13).
Genome position (GRCh38, 1-based): chr10:74,975,902, C>A. VCF-style: chr10-74975902-C-A. GRCh37 (hg19) VCF-style: chr10-76735660-C-A.
Other names: c.1565C>A, p.Ser522Tyr (NM_001370136.1, NM_001370137.1); c.1117+448C>A (NM_001370139.1, NM_001370140.1, NM_001370141.1 and 3 more transcripts); c.1444+121C>A (NM_001370138.1, NM_001256468.2); c.846+6127C>A (NM_001370133.1); c.193-3322C>A (NM_001370134.1); c.929-1414C>A (NM_001370143.1, NM_001370144.1); c.193-13117C>A (NM_001370135.1); short protein forms S522Y.
Identifiers: ClinVar variation 1653016 (VCV001653016.10), dbSNP rs200852439, ClinGen allele CA5564433.
Genomic context (GRCh38, chr10:74,975,902, plus strand): 5'-GTCAGAGCCCCAGTTCACAAAAGTCCAGCACGGCCACTTCTTCTCCCTCTCCCCAGAGTT[C>A]TTCCAGCCAGTGCAGTGTGCCCTCCCTGAGCAGCCTTACCACTAACAGCCAGCTGAAGGC-3'
Protein context (NP_036462.2, residues 512-532): TATSSPSPQS[Ser522Tyr]SSQCSVPSLS